The following is an entry in ClinVar:

NM_000187.4(HGD):c.786G>A (p.Pro262=)

Gene: HGD (homogentisate 1,2-dioxygenase; minus strand). Cytogenetic location: 3q13.33.
Variant type: single nucleotide variant.
Coding change: c.786G>A on transcript NM_000187.4 (MANE Select); coding-DNA position 786, G replaced by A.
Protein change: p.Pro262=; no amino-acid change (proline 262 retained).
Molecular consequence: synonymous variant.
Genome position (GRCh38, 1-based): chr3:120,641,682, C>T on the plus strand (G>A on the coding strand, the complement: HGD is on the minus strand). VCF-style: chr3-120641682-C-T. GRCh37 (hg19) VCF-style: chr3-120360529-C-T.
Other names: c.786G>A (NM_000187.3).
Identifiers: ClinVar variation 1097657 (VCV001097657.12), dbSNP rs747648606, ClinGen allele CA2560062.

ClinVar aggregate classification (germline): Likely benign. Review status: criteria provided, multiple submitters, no conflicts (2 of 4 stars). 3 submissions from 3 submitters: Likely benign (2). 1 of the submissions does not count toward it. Last evaluated 2025-07-31.

Conditions:
HGD-related disorder. Also called: HGD-related condition.
Alkaptonuria (AKU). Also called: Homogentisic acidura; Alkaptonuric ochronosis; Alcaptonuria; HOMOGENTISIC ACID OXIDASE DEFICIENCY. Identifiers: Orphanet 56, MedGen C0002066, MONDO:0008753, OMIM 203500.

Allele frequency attached by ClinVar (database versions not stated): ExAC 0.00002; TOPMed 0.00003; gnomAD exomes 0.00004; gnomAD 0.00006.
gnomAD v4.1: 54 of 1,611,736 alleles (0.0034%); highest among the groups gnomAD compares: Middle Eastern, 0.017%; 1 homozygote.

Submissions (3):

Labcorp Genetics (formerly Invitae), Labcorp
Classification: Likely benign for Alkaptonuria. Last evaluated: 2025-07-31. Review status: criteria provided, single submitter. Criteria: Invitae Variant Classification Sherloc (09022015). Collection method: clinical testing. Allele origin: germline.

Fulgent Genetics
Classification: Likely benign for Alkaptonuria. Last evaluated: 2021-12-30. Review status: criteria provided, single submitter. Criteria: ACMG Guidelines, 2015. Collection method: clinical testing. Allele origin: unknown.

PreventionGenetics, part of Exact Sciences
Classification: Likely benign for HGD-related condition. Last evaluated: 2019-02-28. Review status: no assertion criteria provided. Collection method: clinical testing. Allele origin: germline. Not counted in ClinVar's aggregate classification.
Comment: This variant is classified as likely benign based on ACMG/AMP sequence variant interpretation guidelines (Richards et al. 2015 PMID: 25741868, with internal and published modifications).